The following is an entry in ClinVar:

NC_000015.10:g.(?_67184717)_(67190546_?)dup

Gene: SMAD3 (SMAD family member 3; plus strand). Cytogenetic location: 15q22.33.
Variant type: Duplication.
Identifiers: ClinVar variation 831496 (VCV000831496.7).

ClinVar aggregate classification (germline): Uncertain significance (1 of 4 stars; one submission).

Conditions:
Familial thoracic aortic aneurysm and aortic dissection (TAAD). Also called: Thoracic aortic aneurysms and dissections. Identifiers: Orphanet 91387, MedGen C4707243, MONDO:0019625.

Submission:

Labcorp Genetics (formerly Invitae), Labcorp
Classification: Uncertain significance for Familial thoracic aortic aneurysm and aortic dissection. Last evaluated: 2020-08-29. Review status: criteria provided, single submitter. Criteria: Invitae Variant Classification Sherloc (09022015). Collection method: clinical testing. Allele origin: germline.
Comment: This variant results in a copy number gain of the genomic region encompassing exons 7-9 of the SMAD3 gene. The 5' boundary is likely confined to intron 6. The 3' end of this event is unknown as it extends beyond the assayed region for this gene and therefore may encompass additional genes. As the precise location of this event is unknown, it may be in tandem or it may be located elsewhere in the genome. This variant has been observed in individual(s) with clinical features of Loeys-Dietz syndrome (Invitae). It has also been observed to segregate with disease in related individuals. In summary, the available evidence is currently insufficient to determine the role of this variant in disease. Therefore, it has been classified as a Variant of Uncertain Significance.